The following is an entry in ClinVar:

ClinVar aggregate classification (germline): Uncertain significance (1 of 4 stars; one submission).

Conditions:
Kabuki syndrome. Also called: NIIKAWA-KUROKI SYNDROME; Kabuki make-up syndrome. Identifiers: Orphanet 2322, MedGen C0796004, MONDO:0016512.

Submission:

Labcorp Genetics (formerly Invitae), Labcorp
Classification: Uncertain significance for Kabuki syndrome. Last evaluated: 2021-11-28. Review status: criteria provided, single submitter. Criteria: Invitae Variant Classification Sherloc (09022015). Collection method: clinical testing. Allele origin: germline.
Comment: This sequence change replaces glutamic acid, which is acidic and polar, with aspartic acid, which is acidic and polar, at codon 4486 of the KMT2D protein (p.Glu4486Asp). This variant is not present in population databases (gnomAD no frequency). This variant has not been reported in the literature in individuals affected with KMT2D-related conditions. Advanced modeling of protein sequence and biophysical properties (such as structural, functional, and spatial information, amino acid conservation, physicochemical variation, residue mobility, and thermodynamic stability) performed at Invitae indicates that this missense variant is not expected to disrupt KMT2D protein function. In summary, the available evidence is currently insufficient to determine the role of this variant in disease. Therefore, it has been classified as a Variant of Uncertain Significance.

NM_003482.4(KMT2D):c.13458G>T (p.Glu4486Asp)

Gene: KMT2D (lysine methyltransferase 2D; minus strand). Cytogenetic location: 12q13.12.
Variant type: single nucleotide variant.
Coding change: c.13458G>T on transcript NM_003482.4 (MANE Select); coding-DNA position 13458, G replaced by T.
Protein change: p.Glu4486Asp; replaces glutamic acid 4486 with aspartic acid.
Molecular consequence: missense variant.
Genome position (GRCh38, 1-based): chr12:49,031,247, C>A on the plus strand (G>T on the coding strand, the complement: KMT2D is on the minus strand). VCF-style: chr12-49031247-C-A. GRCh37 (hg19) VCF-style: chr12-49425030-C-A.
Other names: short protein forms E4486D.
Identifiers: ClinVar variation 1417016 (VCV001417016.6), dbSNP rs758671900, ClinGen allele CA384704236.